The following is an entry in ClinVar:

NM_000038.6(APC):c.813G>C (p.Met271Ile)

Gene: APC (APC regulator of Wnt signaling pathway; plus strand). Cytogenetic location: 5q22.2.
Variant type: single nucleotide variant.
Coding change: c.813G>C on transcript NM_000038.6 (MANE Select); coding-DNA position 813, G replaced by C.
Protein change: p.Met271Ile; replaces methionine 271 with isoleucine.
Molecular consequence: missense variant. On other transcripts: 5 prime UTR variant (4), non-coding transcript variant (2).
Genome position (GRCh38, 1-based): chr5:112,801,362, G>C. VCF-style: chr5-112801362-G-C. GRCh37 (hg19) VCF-style: chr5-112137059-G-C.
Other names: c.813G>C, p.Met271Ile (NM_001127510.3, NM_001354895.2, NM_001354896.2 and 12 more transcripts); c.759G>C, p.Met253Ile (NM_001127511.3); c.843G>C, p.Met281Ile (NM_001354897.2, NM_001354902.2, NM_001407446.1); c.738G>C, p.Met246Ile (NM_001354898.2, NM_001354904.2, NM_001407451.1); c.729G>C, p.Met243Ile (NM_001354899.2, NM_001407452.1, NM_001407467.1 and 1 more transcripts); c.636G>C, p.Met212Ile (NM_001354900.2, NM_001354901.2, NM_001354905.2 and 1 more transcripts); c.-223G>C (NM_001354906.2, NM_001407470.1, NM_001407471.1 and 1 more transcripts); short protein forms M246I, M253I, M271I, M281I, M212I, M243I.
Identifiers: ClinVar variation 3929477 (VCV003929477.1).

ClinVar aggregate classification (germline): Uncertain significance (1 of 4 stars; one submission).

Conditions:
Hereditary cancer-predisposing syndrome. Also called: Hereditary Cancer Syndrome; Hereditary neoplastic syndrome; Neoplastic Syndromes, Hereditary; Tumor predisposition. Identifiers: Orphanet 140162, MedGen C0027672, MeSH D009386, MONDO:0015356.

Submission:

Ambry Genetics
Classification: Uncertain significance for Hereditary cancer-predisposing syndrome. Last evaluated: 2025-05-17. Review status: criteria provided, single submitter. Criteria: Ambry Variant Classification Scheme 2023. Collection method: clinical testing. Allele origin: germline.
Comment: The p.M271I variant (also known as c.813G>C), located in coding exon 7 of the APC gene, results from a G to C substitution at nucleotide position 813. The methionine at codon 271 is replaced by isoleucine, an amino acid with highly similar properties. This amino acid position is conserved. In addition, in silico predictors for this gene do not accurately predict pathogenicity. Based on the available evidence, the clinical significance of this variant remains unclear.